The following is an entry in ClinVar:

NM_182895.5(SCARF2):c.322A>T (p.Asn108Tyr)

Gene: SCARF2 (scavenger receptor class F member 2; minus strand). Cytogenetic location: 22q11.21.
Variant type: single nucleotide variant.
Coding change: c.322A>T on transcript NM_182895.5 (MANE Select); coding-DNA position 322, A replaced by T.
Protein change: p.Asn108Tyr; replaces asparagine 108 with tyrosine.
Molecular consequence: missense variant.
Genome position (GRCh38, 1-based): chr22:20,431,757, T>A on the plus strand (A>T on the coding strand, the complement: SCARF2 is on the minus strand). VCF-style: chr22-20431757-T-A. GRCh37 (hg19) VCF-style: chr22-20786044-T-A.
Other names: c.322A>T, p.Asn108Tyr (NM_153334.7); short protein forms N108Y.
Identifiers: ClinVar variation 1989930 (VCV001989930.4), dbSNP rs1456448690, ClinGen allele CA410748773.

ClinVar aggregate classification (germline): Uncertain significance (1 of 4 stars; one submission).

Allele frequency attached by ClinVar (database versions not stated): gnomAD 0.00001; TOPMed 0.00001; gnomAD exomes 0.00001.
gnomAD v4.1: 14 of 1,580,940 alleles (0.00089%); highest among the groups gnomAD compares: Admixed American, 0.0073%; no homozygotes.

Submission:

Labcorp Genetics (formerly Invitae), Labcorp
Classification: Uncertain significance. Last evaluated: 2022-06-16. Review status: criteria provided, single submitter. Criteria: Invitae Variant Classification Sherloc (09022015). Collection method: clinical testing. Allele origin: germline.
Comment: This variant has not been reported in the literature in individuals affected with SCARF2-related conditions. In summary, the available evidence is currently insufficient to determine the role of this variant in disease. Therefore, it has been classified as a Variant of Uncertain Significance. Algorithms developed to predict the effect of missense changes on protein structure and function are either unavailable or do not agree on the potential impact of this missense change (SIFT: "Tolerated"; PolyPhen-2: "Probably Damaging"; Align-GVGD: "Class C0"). This variant is present in population databases (no rsID available, gnomAD 0.01%). This sequence change replaces asparagine, which is neutral and polar, with tyrosine, which is neutral and polar, at codon 108 of the SCARF2 protein (p.Asn108Tyr).